The following is an entry in ClinVar:

NM_001378328.1(CELSR1):c.3699C>G (p.Ala1233=)

Gene: CELSR1 (cadherin EGF LAG seven-pass G-type receptor 1; minus strand). Cytogenetic location: 22q13.31.
Variant type: single nucleotide variant.
Coding change: c.3699C>G on transcript NM_001378328.1 (MANE Select); coding-DNA position 3699, C replaced by G.
Protein change: p.Ala1233=; no amino-acid change (alanine 1233 retained).
Molecular consequence: synonymous variant.
Genome position (GRCh38, 1-based): chr22:46,464,191, G>C on the plus strand (C>G on the coding strand, the complement: CELSR1 is on the minus strand). VCF-style: chr22-46464191-G-C. GRCh37 (hg19) VCF-style: chr22-46860088-G-C.
Other names: c.3699C>G, p.Ala1233= (NM_014246.4).
Identifiers: ClinVar variation 3055460 (VCV003055460.2), dbSNP rs3747251, ClinGen allele CA10294918.
Genomic context (GRCh38, chr22:46,464,191, plus strand): 5'-GACGTCGGTGTCGTTCTGGACGTTGAAGACGAAGACGTCGTCCTTGGTGGTGGACAGCAC[G>C]GCGGCCACCCCCTCCACGAAGAGGGCCAGCAGCGGGGACAGGAACTTCTCCTGGGACATG-3'
Protein context (NP_001365257.1, residues 1223-1243): LLALFVEGVA[Ala1233=]VLSTTKDDVF

ClinVar aggregate classification (germline): Benign (0 of 4 stars; one submission).

Conditions:
CELSR1-related disorder. Also called: CELSR1-related condition.

Allele frequency attached by ClinVar (database versions not stated): ESP Exome Variant Server 0.15447; TOPMed 0.15790; 1000 Genomes Project 0.19449; 1000 Genomes Project 30x 0.20144.
gnomAD v4.1: 79,975 of 1,613,538 alleles (5%); highest among the groups gnomAD compares: African/African-American, 43%; 8,458 homozygotes.

Submission:

PreventionGenetics, part of Exact Sciences
Classification: Benign for CELSR1-related condition. Last evaluated: 2019-10-29. Review status: no assertion criteria provided. Collection method: clinical testing. Allele origin: germline.
Comment: This variant is classified as benign based on ACMG/AMP sequence variant interpretation guidelines (Richards et al. 2015 PMID: 25741868, with internal and published modifications).